The following is an entry in ClinVar:

ClinVar aggregate classification (germline): Uncertain significance (1 of 4 stars; one submission).

Submission:

Labcorp Genetics (formerly Invitae), Labcorp
Classification: Uncertain significance. Last evaluated: 2023-11-13. Review status: criteria provided, single submitter. Criteria: Invitae Variant Classification Sherloc (09022015). Collection method: clinical testing. Allele origin: germline.
Comment: This sequence change creates a premature translational stop signal (p.Ile219Lysfs*18) in the NLRP1 gene. It is expected to result in an absent or disrupted protein product. However, the current clinical and genetic evidence is not sufficient to establish whether loss-of-function variants in NLRP1 cause disease. This variant is not present in population databases (gnomAD no frequency). This variant has not been reported in the literature in individuals affected with NLRP1-related conditions. In summary, the available evidence is currently insufficient to determine the role of this variant in disease. Therefore, it has been classified as a Variant of Uncertain Significance.

NC_000017.11:g.5560039_5560045del

Gene: NLRP1 (NLR family pyrin domain containing 1; minus strand). Cytogenetic location: 17p13.2.
Variant type: Deletion.
Genome position: GRCh38 VCF-style: chr17-5560035-CTCTGATT-C. GRCh37 (hg19) VCF-style: chr17-5463355-CTCTGATT-C.
Identifiers: ClinVar variation 2692882 (VCV002692882.3), dbSNP rs2507943522, ClinGen allele CA2635675900.